The following is an entry in ClinVar:

ClinVar aggregate classification (germline): Uncertain significance (1 of 4 stars; one submission).

Conditions:
Cardiovascular phenotype. Identifiers: MedGen CN230736.

Allele frequency attached by ClinVar (database versions not stated): gnomAD exomes below 0.00001; TOPMed below 0.00001.
gnomAD v4.1: 3 of 1,614,038 alleles (0.00019%); highest among the groups gnomAD compares: Non-Finnish European, 0.00017%; no homozygotes.

Submission:

Ambry Genetics
Classification: Uncertain significance for Cardiovascular phenotype. Last evaluated: 2023-04-14. Review status: criteria provided, single submitter. Criteria: Ambry Variant Classification Scheme 2023. Collection method: clinical testing. Allele origin: germline.
Comment: The p.M463V variant (also known as c.1387A>G), located in coding exon 8 of the AKAP9 gene, results from an A to G substitution at nucleotide position 1387. The methionine at codon 463 is replaced by valine, an amino acid with highly similar properties. This amino acid position is conserved. In addition, this alteration is predicted to be tolerated by in silico analysis. Since supporting evidence is limited at this time, the clinical significance of this alteration remains unclear.

NM_005751.5(AKAP9):c.1387A>G (p.Met463Val)

Gene: AKAP9 (A-kinase anchoring protein 9; plus strand). Cytogenetic location: 7q21.2.
Variant type: single nucleotide variant.
Coding change: c.1387A>G on transcript NM_005751.5 (MANE Select); coding-DNA position 1387, A replaced by G.
Protein change: p.Met463Val; replaces methionine 463 with valine.
Molecular consequence: missense variant.
Genome position (GRCh38, 1-based): chr7:92,001,304, A>G. VCF-style: chr7-92001304-A-G. GRCh37 (hg19) VCF-style: chr7-91630618-A-G.
Other names: c.1387A>G, p.Met463Val (NM_147185.3); short protein forms M463V.
Identifiers: ClinVar variation 2564465 (VCV002564465.2), dbSNP rs1436907898, ClinGen allele CA368121674.